The following is an entry in ClinVar:

NM_001369369.1(FOXN1):c.6del (p.Ser3fs)

Gene: FOXN1 (forkhead box N1; plus strand). Cytogenetic location: 17q11.2.
Variant type: Deletion.
Coding change: c.6del on transcript NM_001369369.1 (MANE Select); coding-DNA position 6, one base deleted (G; older notation c.6delG).
Protein change: p.Ser3fs; shifts the reading frame from serine 3.
Molecular consequence: frameshift variant.
Genome position (GRCh38, 1-based): chr17:28,523,975, G deleted. VCF-style (leftmost placement, unchanged base first): chr17-28523974-TG-T. GRCh37 (hg19) VCF-style: chr17-26850992-TG-T.
Other names: c.6del, p.Ser3fs (NM_003593.3); short protein forms S3fs.
Identifiers: ClinVar variation 2704556 (VCV002704556.3), dbSNP rs2508346463, ClinGen allele CA2697559513.

ClinVar aggregate classification (germline): Pathogenic (1 of 4 stars; one submission).

Conditions:
T-cell immunodeficiency, congenital alopecia, and nail dystrophy. Also called: Congenital alopecia and nail dystrophy associated with severe functional T-cell immunodeficiency; Pignata Guarino syndrome. Identifiers: Orphanet 169095, MedGen C1866426, MONDO:0011132, OMIM 601705.

Submission:

Labcorp Genetics (formerly Invitae), Labcorp
Classification: Pathogenic for T-cell immunodeficiency, congenital alopecia, and nail dystrophy. Last evaluated: 2023-12-21. Review status: criteria provided, single submitter. Criteria: Invitae Variant Classification Sherloc (09022015). Collection method: clinical testing. Allele origin: germline.
Comment: This sequence change creates a premature translational stop signal (p.Ser3Argfs*299) in the FOXN1 gene. It is expected to result in an absent or disrupted protein product. Loss-of-function variants in FOXN1 are known to be pathogenic (PMID: 10206641, 15180707, 31447097). This variant is not present in population databases (gnomAD no frequency). This variant has not been reported in the literature in individuals affected with FOXN1-related conditions. For these reasons, this variant has been classified as Pathogenic.

Literature cited by the submitters: PubMed 10206641; PubMed 15180707; PubMed 31447097.